The following is an entry in ClinVar:

ClinVar aggregate classification (germline): Benign/Likely benign. Review status: criteria provided, multiple submitters, no conflicts (2 of 4 stars). 7 submissions from 6 submitters: Benign (6); Likely benign (1). Last evaluated 2026-01-22.

Conditions:
Severe combined immunodeficiency due to DCLRE1C deficiency (RS-SCID). Also called: SCID, AUTOSOMAL RECESSIVE, T CELL-NEGATIVE, B CELL-NEGATIVE, NK CELL-POSITIVE, WITH SENSITIVITY TO IONIZING RADIATION. Identifiers: Orphanet 275, MedGen C1865371, MONDO:0011225, OMIM 602450.
DNA ligase IV deficiency. Identifiers: Orphanet 99812, MedGen C1847827, MONDO:0011686, OMIM 606593.

Allele frequency attached by ClinVar (database versions not stated): gnomAD 0.03244 and 0.03024; 1000 Genomes Project 30x 0.03451; gnomAD exomes 0.00724 and 0.00283; 1000 Genomes Project 0.03514; ExAC 0.00907; ESP Exome Variant Server 0.03072; TOPMed 0.03381.
gnomAD v4.1: 8,899 of 1,605,472 alleles (0.55%); highest among the groups gnomAD compares: African/African-American, 11%; 455 homozygotes.

Submissions (7):

Women's Health and Genetics/Laboratory Corporation of America, LabCorp
Classification: Benign. Last evaluated: 2026-01-22. Review status: criteria provided, single submitter. Criteria: LabCorp Variant Classification Summary - May 2015. Collection method: clinical testing. Allele origin: germline.

KCCC/NGS Laboratory, Kuwait Cancer Control Center
Classification: Likely benign for DNA ligase IV deficiency. Last evaluated: 2023-07-07. Review status: criteria provided, single submitter. Criteria: ACMG Guidelines, 2015. Collection method: clinical testing. Allele origin: germline. Affected: yes.

Mayo Clinic Laboratories, Mayo Clinic
Classification: Benign. Last evaluated: 2018-12-11. Review status: criteria provided, single submitter. Criteria: ACMG Guidelines, 2015. Collection method: clinical testing. Allele origin: germline. Observed: 19 variant alleles.

Illumina Laboratory Services, Illumina
Classification: Benign for DNA ligase IV deficiency. Last evaluated: 2018-01-13. Review status: criteria provided, single submitter. Criteria: ICSL Variant Classification Criteria 13 December 2019. Collection method: clinical testing. Allele origin: germline.
Comment: This variant was observed in the ICSL laboratory as part of a predisposition screen in an ostensibly healthy population. It had not been previously curated by ICSL or reported in the Human Gene Mutation Database (HGMD: prior to June 1st, 2018), and was therefore a candidate for classification through an automated scoring system. Utilizing variant allele frequency, disease prevalence and penetrance estimates, and inheritance mode, an automated score was calculated to assess if this variant is too frequent to cause the disease. Based on the score and internal cut-off values, a variant classified as benign is not then subjected to further curation. The score for this variant resulted in a classification of benign for this disease.

Illumina Laboratory Services, Illumina
Classification: Benign for Severe combined immunodeficiency due to DCLRE1C deficiency. Last evaluated: 2018-01-13. Review status: criteria provided, single submitter. Criteria: ICSL Variant Classification Criteria 13 December 2019. Collection method: clinical testing. Allele origin: germline.
Comment: the same text as in the submission from Illumina Laboratory Services, Illumina above.

GeneDx
Classification: Benign. Last evaluated: 2015-03-03. Review status: criteria provided, single submitter. Criteria: GeneDx Variant Classification Process June 2021. Collection method: clinical testing. Allele origin: germline. Affected: yes.

Breakthrough Genomics
Classification: Benign. Review status: criteria provided, single submitter. Criteria: ACMG Guidelines, 2015. Collection method: not provided. Allele origin: germline. Inheritance: Autosomal recessive inheritance. Affected: yes.

NM_206937.2(LIG4):c.-7C>T

Gene: LIG4 (DNA ligase 4; minus strand). Cytogenetic location: 13q33.3.
Variant type: single nucleotide variant.
Coding change: c.-7C>T on transcript NM_206937.2 (MANE Select); 7 bases upstream of the start codon, C replaced by T.
Molecular consequence: 5 prime UTR variant. On other transcripts: intron variant (2).
Genome position (GRCh38, 1-based): chr13:108,211,275, G>A on the plus strand (C>T on the coding strand, the complement: LIG4 is on the minus strand). VCF-style: chr13-108211275-G-A. GRCh37 (hg19) VCF-style: chr13-108863623-G-A.
Other names: c.-7C>T (NM_001098268.2, NM_001352598.2, NM_001352599.2 and 7 more transcripts); c.-149-59C>T (NM_001330595.2); c.89-59C>T (NM_001352604.2).
Identifiers: ClinVar variation 310996 (VCV000310996.10), dbSNP rs4987182, ClinGen allele CA7043914.